The following is an entry in ClinVar:

NM_005477.3(HCN4):c.2420G>A (p.Arg807His)

Gene: HCN4 (hyperpolarization activated cyclic nucleotide gated potassium channel 4; minus strand). Cytogenetic location: 15q24.1.
Variant type: single nucleotide variant.
Coding change: c.2420G>A on transcript NM_005477.3 (MANE Select); coding-DNA position 2420, G replaced by A.
Protein change: p.Arg807His; replaces arginine 807 with histidine.
Molecular consequence: missense variant.
Genome position (GRCh38, 1-based): chr15:73,323,673, C>T on the plus strand (G>A on the coding strand, the complement: HCN4 is on the minus strand). VCF-style: chr15-73323673-C-T. GRCh37 (hg19) VCF-style: chr15-73616014-C-T.
Other names: short protein forms R807H.
Identifiers: ClinVar variation 432269 (VCV000432269.18), dbSNP rs200395062, ClinGen allele CA090974.

ClinVar aggregate classification (germline): Conflicting classifications of pathogenicity. Review status: criteria provided, conflicting classifications (1 of 4 stars). 5 submissions from 5 submitters: Uncertain significance (3); Likely benign (2). Last evaluated 2025-12-17.

Conditions:
Brugada syndrome 8 (BRGDA8). Identifiers: Orphanet 130, MedGen C2751083, MONDO:0013148, OMIM 613123.
Cardiovascular phenotype. Identifiers: MedGen CN230736.

Allele frequency attached by ClinVar (database versions not stated): gnomAD exomes 0.00006 and 0.00017; ExAC 0.00011; 1000 Genomes Project 30x 0.00016; 1000 Genomes Project 0.00020; TOPMed 0.00034; gnomAD 0.00036.

Submissions (5):

Labcorp Genetics (formerly Invitae), Labcorp
Classification: Likely benign for Brugada syndrome 8. Last evaluated: 2025-12-17. Review status: criteria provided, single submitter. Criteria: Invitae Variant Classification Sherloc (09022015). Collection method: clinical testing. Allele origin: germline.

GeneDx
Classification: Uncertain significance. Last evaluated: 2025-04-01. Review status: criteria provided, single submitter. Criteria: GeneDx Variant Classification Process June 2021. Collection method: clinical testing. Allele origin: germline. Affected: yes.
Comment: Has not been previously published as pathogenic or benign to our knowledge; In silico analysis indicates that this missense variant does not alter protein structure/function

Blueprint Genetics
Classification: Likely benign. Last evaluated: 2024-04-30. Review status: criteria provided, single submitter. Criteria: ACMG Guidelines, 2015. Collection method: clinical testing. Allele origin: germline.

Ambry Genetics
Classification: Uncertain significance for Cardiovascular phenotype. Last evaluated: 2023-10-21. Review status: criteria provided, single submitter. Criteria: Ambry Variant Classification Scheme 2023. Collection method: clinical testing. Allele origin: germline.
Comment: The p.R807H variant (also known as c.2420G>A), located in coding exon 8 of the HCN4 gene, results from a G to A substitution at nucleotide position 2420. The arginine at codon 807 is replaced by histidine, an amino acid with highly similar properties. This amino acid position is conserved. In addition, this alteration is predicted to be tolerated by in silico analysis. Since supporting evidence is limited at this time, the clinical significance of this alteration remains unclear.

Athena Diagnostics
Classification: Uncertain significance. Last evaluated: 2018-03-27. Review status: criteria provided, single submitter. Criteria: Athena Diagnostics Criteria. Collection method: clinical testing. Allele origin: germline.